The following is an entry in ClinVar:

NM_033109.5(PNPT1):c.680-69T>C

Gene: PNPT1 (polyribonucleotide nucleotidyltransferase 1; minus strand). Cytogenetic location: 2p16.1.
Variant type: single nucleotide variant.
Coding change: c.680-69T>C on transcript NM_033109.5 (MANE Select); 69 bases into the intron before coding-DNA position 680, T replaced by C.
Molecular consequence: intron variant.
Genome position (GRCh38, 1-based): chr2:55,673,148, A>G on the plus strand (T>C on the coding strand, the complement: PNPT1 is on the minus strand). VCF-style: chr2-55673148-A-G. GRCh37 (hg19) VCF-style: chr2-55900283-A-G.
Identifiers: ClinVar variation 676181 (VCV000676181.2), dbSNP rs782629, ClinGen allele CA11250739.
Genomic context (GRCh38, chr2:55,673,148, plus strand): 5'-AGGAAAAAGAAAAAAAAAATGACTGCCATCGAAGCTCTTAGTAATATAACATTTTCAAAT[A>G]CCATGACATGACATAAATATTATGGATCAATTTTACTTCTTAGTGATAGATCCACCTTGA-3'

ClinVar aggregate classification (germline): Benign. Review status: criteria provided, multiple submitters, no conflicts (2 of 4 stars). 2 submissions from 2 submitters: Benign (2). Last evaluated 2018-06-14.

Allele frequency attached by ClinVar (database versions not stated): 1000 Genomes Project 0.32668; 1000 Genomes Project 30x 0.32995; TOPMed 0.43358; gnomAD 0.44527 and 0.45260; gnomAD exomes 0.48452.
gnomAD v4.1: 571,738 of 1,194,070 alleles (48%); highest among the groups gnomAD compares: Non-Finnish European, 52%; 143,681 homozygotes.

Submissions (2):

GeneDx
Classification: Benign. Last evaluated: 2018-06-14. Review status: criteria provided, single submitter. Criteria: GeneDx Variant Classification (06012015). Collection method: clinical testing. Allele origin: germline. Affected: yes.
Comment: This variant is considered likely benign or benign based on one or more of the following criteria: it is a conservative change, it occurs at a poorly conserved position in the protein, it is predicted to be benign by multiple in silico algorithms, and/or has population frequency not consistent with disease.

Breakthrough Genomics
Classification: Benign. Review status: criteria provided, single submitter. Criteria: ACMG Guidelines, 2015. Collection method: not provided. Allele origin: germline. Inheritance: Autosomal recessive inheritance. Affected: yes.